The following is an entry in ClinVar:

NM_004369.4(COL6A3):c.8240T>C (p.Val2747Ala)

Gene: COL6A3 (collagen type VI alpha 3 chain; minus strand). Cytogenetic location: 2q37.3.
Variant type: single nucleotide variant.
Coding change: c.8240T>C on transcript NM_004369.4 (MANE Select); coding-DNA position 8240, T replaced by C.
Protein change: p.Val2747Ala; replaces valine 2747 with alanine.
Molecular consequence: missense variant.
Genome position (GRCh38, 1-based): chr2:237,340,676, A>G on the plus strand (T>C on the coding strand, the complement: COL6A3 is on the minus strand). VCF-style: chr2-237340676-A-G. GRCh37 (hg19) VCF-style: chr2-238249319-A-G.
Other names: c.6419T>C, p.Val2140Ala (NM_057166.5); c.7622T>C, p.Val2541Ala (NM_057167.4); short protein forms V2140A, V2541A, V2747A.
Identifiers: ClinVar variation 3621914 (VCV003621914.2).
Genomic context (GRCh38, chr2:237,340,676, plus strand): 5'-TAGCCCTTGCATTTGGCCTGCAGGATGACTCTCTGGGCCTCCTCCAGCTGCTGCTCCGGC[A>G]CCTCGCCCGTCAGCATCAGGACCACAATTTTCAGGTCCCGTGGGTTTGGGGCACTTTCAA-3'
Protein context (NP_004360.2, residues 2737-2757): KIVVLMLTGE[Val2747Ala]PEQQLEEAQR

ClinVar aggregate classification (germline): Uncertain significance (1 of 4 stars; one submission).

Conditions:
Bethlem myopathy 1A. Also called: Bethlem myopathy 1; MYOPATHY, BENIGN CONGENITAL, WITH CONTRACTURES; Bethlem Muscular Dystrophy. Identifiers: Orphanet 610, MedGen CN029274, MONDO:0024530, OMIM 158810.

gnomAD v4.1: 1 of 1,614,084 alleles (0.000062%); highest among the groups gnomAD compares: Non-Finnish European, 0.000085%; no homozygotes.

Submission:

Labcorp Genetics (formerly Invitae), Labcorp
Classification: Uncertain significance for Bethlem myopathy 1A. Last evaluated: 2024-10-24. Review status: criteria provided, single submitter. Criteria: Invitae Variant Classification Sherloc (09022015). Collection method: clinical testing. Allele origin: germline.
Comment: This sequence change replaces valine, which is neutral and non-polar, with alanine, which is neutral and non-polar, at codon 2747 of the COL6A3 protein (p.Val2747Ala). This variant is present in population databases (no rsID available, gnomAD 0.0009%). This variant has not been reported in the literature in individuals affected with COL6A3-related conditions. Invitae Evidence Modeling of protein sequence and biophysical properties (such as structural, functional, and spatial information, amino acid conservation, physicochemical variation, residue mobility, and thermodynamic stability) has been performed for this missense variant. However, the output from this modeling did not meet the statistical confidence thresholds required to predict the impact of this variant on COL6A3 protein function. In summary, the available evidence is currently insufficient to determine the role of this variant in disease. Therefore, it has been classified as a Variant of Uncertain Significance.